The following is an entry in ClinVar:

NM_015072.5(TTLL5):c.3339A>G (p.Thr1113=)

Gene: TTLL5 (tubulin tyrosine ligase like 5; plus strand). Cytogenetic location: 14q24.3.
Variant type: single nucleotide variant.
Coding change: c.3339A>G on transcript NM_015072.5 (MANE Select); coding-DNA position 3339, A replaced by G.
Protein change: p.Thr1113=; no amino-acid change (threonine 1113 retained).
Molecular consequence: synonymous variant.
Genome position (GRCh38, 1-based): chr14:75,863,679, A>G. VCF-style: chr14-75863679-A-G. GRCh37 (hg19) VCF-style: chr14-76330022-A-G.
Other names: c.3339A>G (NM_015072.4).
Identifiers: ClinVar variation 1079801 (VCV001079801.10), dbSNP rs1472952117, ClinGen allele CA487235166.

ClinVar aggregate classification (germline): Likely benign. Review status: criteria provided, multiple submitters, no conflicts (2 of 4 stars). 2 submissions from 2 submitters: Likely benign (2). Last evaluated 2026-08-01.

Conditions:
TTLL5-related disorder. Also called: TTLL5-related condition.

Allele frequency attached by ClinVar (database versions not stated): TOPMed below 0.00001; gnomAD 0.00001; gnomAD exomes 0.00002.
gnomAD v4.1: 13 of 1,609,862 alleles (0.00081%); highest among the groups gnomAD compares: Admixed American, 0.01%; no homozygotes.

Submissions (2):

PreventionGenetics, part of Exact Sciences
Classification: Likely benign for TTLL5-related condition. Last evaluated: 2026-08-01. Review status: criteria provided, single submitter. Criteria: ACMG Guidelines, 2015. Collection method: clinical testing. Allele origin: germline.
Comment: This variant is classified as likely benign based on ACMG/AMP sequence variant interpretation guidelines (Richards et al. 2015 PMID: 25741868, with internal and published modifications).

Labcorp Genetics (formerly Invitae), Labcorp
Classification: Likely benign. Last evaluated: 2024-07-26. Review status: criteria provided, single submitter. Criteria: Invitae Variant Classification Sherloc (09022015). Collection method: clinical testing. Allele origin: germline.